The following is an entry in ClinVar:

NM_198578.4(LRRK2):c.1534A>G (p.Ile512Val)

Gene: LRRK2 (leucine rich repeat kinase 2; plus strand). Cytogenetic location: 12q12.
Variant type: single nucleotide variant.
Coding change: c.1534A>G on transcript NM_198578.4 (MANE Select); coding-DNA position 1534, A replaced by G.
Protein change: p.Ile512Val; replaces isoleucine 512 with valine.
Molecular consequence: missense variant.
Genome position (GRCh38, 1-based): chr12:40,259,595, A>G. VCF-style: chr12-40259595-A-G. GRCh37 (hg19) VCF-style: chr12-40653397-A-G.
Other names: short protein forms I512V.
Identifiers: ClinVar variation 2447234 (VCV002447234.2), dbSNP rs1256336154, ClinGen allele CA384411775.

ClinVar aggregate classification (germline): Uncertain significance (1 of 4 stars; one submission).

Conditions:
Inborn genetic diseases. Identifiers: MedGen C0950123, MeSH D030342.

Submission:

Ambry Genetics
Classification: Uncertain significance for Inborn genetic diseases. Last evaluated: 2023-02-10. Review status: criteria provided, single submitter. Criteria: Ambry Variant Classification Scheme 2023. Collection method: clinical testing. Allele origin: germline.
Comment: The p.I512V variant (also known as c.1534A>G), located in coding exon 13 of the LRRK2 gene, results from an A to G substitution at nucleotide position 1534. The isoleucine at codon 512 is replaced by valine, an amino acid with highly similar properties. This amino acid position is conserved. In addition, this alteration is predicted to be tolerated by in silico analysis. Since supporting evidence is limited at this time, the clinical significance of this alteration remains unclear.